The following is an entry in ClinVar:

NM_000059.4(BRCA2):c.1118A>G (p.Gln373Arg)

Gene: BRCA2 (BRCA2 DNA repair associated; plus strand). Cytogenetic location: 13q13.1.
Variant type: single nucleotide variant.
Coding change: c.1118A>G on transcript NM_000059.4 (MANE Select); coding-DNA position 1118, A replaced by G.
Protein change: p.Gln373Arg; replaces glutamine 373 with arginine.
Molecular consequence: missense variant.
Genome position (GRCh38, 1-based): chr13:32,332,596, A>G. VCF-style: chr13-32332596-A-G. GRCh37 (hg19) VCF-style: chr13-32906733-A-G.
Other names: c.1118A>G, p.Gln373Arg (NM_001406719.1, NM_001406720.1, NM_001406721.1); short protein forms Q373R.
Identifiers: ClinVar variation 2134329 (VCV002134329.6), dbSNP rs2137467818, ClinGen allele CA387761651.

ClinVar aggregate classification (germline): Conflicting classifications of pathogenicity. Review status: criteria provided, conflicting classifications (1 of 4 stars). 2 submissions from 2 submitters: Uncertain significance (1); Likely benign (1). Last evaluated 2023-03-23.

Conditions:
Hereditary breast ovarian cancer syndrome. Also called: Hereditary breast and ovarian cancer; Hereditary breast and/or ovarian cancer syndrome; Hereditary breast and ovarian cancer syndrome (HBOC); Breast and ovarian cancer; Hereditary breast and ovarian cancer syndrome; BRCA1- and BRCA2-Associated Hereditary Breast and Ovarian Cancer. Identifiers: Orphanet 145, MedGen C0677776, MeSH D061325, MONDO:0003582. Disease mechanism: loss of function.
Hereditary cancer-predisposing syndrome. Also called: Hereditary neoplastic syndrome; Hereditary Cancer Syndrome; Tumor predisposition; Neoplastic Syndromes, Hereditary. Identifiers: Orphanet 140162, MedGen C0027672, MeSH D009386, MONDO:0015356.

gnomAD v4.1: 1 of 1,614,026 alleles (0.000062%); highest among the groups gnomAD compares: Non-Finnish European, 0.000085%; no homozygotes.

Submissions (2):

University of Washington Department of Laboratory Medicine, University of Washington
Classification: Likely benign for Hereditary cancer-predisposing syndrome. Last evaluated: 2023-03-23. Review status: criteria provided, single submitter. Criteria: Dines et al. (Genet Med. 2020). Collection method: curation. Allele origin: germline.
Comment: Missense variant in a coldspot region where missense variants are very unlikely to be pathogenic (PMID:31911673).

BRCA2 exon 10 coldspot. Reclassification based on statistical prior probability.

Labcorp Genetics (formerly Invitae), Labcorp
Classification: Uncertain significance for Hereditary breast ovarian cancer syndrome. Last evaluated: 2022-08-04. Review status: criteria provided, single submitter. Criteria: Invitae Variant Classification Sherloc (09022015). Collection method: clinical testing. Allele origin: germline.
Comment: This sequence change replaces glutamine, which is neutral and polar, with arginine, which is basic and polar, at codon 373 of the BRCA2 protein (p.Gln373Arg). This variant is not present in population databases (gnomAD no frequency). This variant has not been reported in the literature in individuals affected with BRCA2-related conditions. Advanced modeling of protein sequence and biophysical properties (such as structural, functional, and spatial information, amino acid conservation, physicochemical variation, residue mobility, and thermodynamic stability) performed at Invitae indicates that this missense variant is not expected to disrupt BRCA2 protein function. In summary, the available evidence is currently insufficient to determine the role of this variant in disease. Therefore, it has been classified as a Variant of Uncertain Significance.